The following is an entry in ClinVar:

ClinVar aggregate classification (germline): Uncertain significance. Review status: criteria provided, multiple submitters, no conflicts (2 of 4 stars). 2 submissions from 2 submitters: Uncertain significance (2). Last evaluated 2025-06-10.

Conditions:
Inborn genetic diseases. Identifiers: MedGen C0950123, MeSH D030342.
Charcot-Marie-Tooth disease axonal type 2P. Also called: CHARCOT-MARIE-TOOTH DISEASE, AXONAL, TYPE 2G; CMT 2G; CHARCOT-MARIE-TOOTH NEUROPATHY, TYPE 2P; Charcot-Marie-Tooth Neuropathy Type 2G. Identifiers: Orphanet 300319, Orphanet 99941, MedGen C3280797, MONDO:0013753, OMIM 614436.

Allele frequency attached by ClinVar (database versions not stated): ExAC 0.00001; gnomAD 0.00001; gnomAD exomes 0.00002; TOPMed 0.00002.
gnomAD v4.1: 25 of 1,613,694 alleles (0.0015%); highest among the groups gnomAD compares: African/African-American, 0.004%; no homozygotes.

Submissions (2):

Ambry Genetics
Classification: Uncertain significance for Inborn genetic diseases. Last evaluated: 2025-06-10. Review status: criteria provided, single submitter. Criteria: Ambry Variant Classification Scheme 2023. Collection method: clinical testing. Allele origin: germline.

Labcorp Genetics (formerly Invitae), Labcorp
Classification: Uncertain significance for Charcot-Marie-Tooth disease axonal type 2P. Last evaluated: 2025-05-14. Review status: criteria provided, single submitter. Criteria: Invitae Variant Classification Sherloc (09022015). Collection method: clinical testing. Allele origin: germline.
Comment: This sequence change replaces arginine, which is basic and polar, with glutamine, which is neutral and polar, at codon 323 of the LRSAM1 protein (p.Arg323Gln). This variant is present in population databases (rs776157689, gnomAD 0.007%). This variant has not been reported in the literature in individuals affected with LRSAM1-related conditions. ClinVar contains an entry for this variant (Variation ID: 843173). Invitae Evidence Modeling of protein sequence and biophysical properties (such as structural, functional, and spatial information, amino acid conservation, physicochemical variation, residue mobility, and thermodynamic stability) indicates that this missense variant is not expected to disrupt LRSAM1 protein function with a negative predictive value of 80%. In summary, the available evidence is currently insufficient to determine the role of this variant in disease. Therefore, it has been classified as a Variant of Uncertain Significance.

NM_001005373.4(LRSAM1):c.968G>A (p.Arg323Gln)

Gene: LRSAM1 (leucine rich repeat and sterile alpha motif containing 1; plus strand). Cytogenetic location: 9q33.3.
Variant type: single nucleotide variant.
Coding change: c.968G>A on transcript NM_001005373.4 (MANE Select); coding-DNA position 968, G replaced by A.
Protein change: p.Arg323Gln; replaces arginine 323 with glutamine.
Molecular consequence: missense variant. On other transcripts: non-coding transcript variant (2).
Genome position (GRCh38, 1-based): chr9:127,479,903, G>A. VCF-style: chr9-127479903-G-A. GRCh37 (hg19) VCF-style: chr9-130242182-G-A.
Other names: c.968G>A (NM_138361.4); c.968G>A, p.Arg323Gln (NM_001005374.4, NM_001190723.3, NM_001384142.1 and 2 more transcripts); c.179G>A, p.Arg60Gln (NM_001384144.1); short protein forms R323Q, R60Q.
Identifiers: ClinVar variation 843173 (VCV000843173.10), dbSNP rs776157689, ClinGen allele CA5246777.